The following is an entry in ClinVar:

ClinVar aggregate classification (germline): Benign. Review status: criteria provided, multiple submitters, no conflicts (2 of 4 stars). 5 submissions from 5 submitters: Benign (4). 1 of the submissions does not count toward it. Last evaluated 2026-02-01.

Conditions:
Cortisone reductase deficiency 1 (CORTRD1). Identifiers: Orphanet 168588, MedGen C3551716, MONDO:0011503, OMIM 604931.

Allele frequency attached by ClinVar (database versions not stated): TOPMed 0.32404; 1000 Genomes Project 30x 0.38695; gnomAD 0.30935; 1000 Genomes Project 0.38958.
gnomAD v4.1: 409,625 of 1,613,468 alleles (25%); highest among the groups gnomAD compares: East Asian, 47%; 55,605 homozygotes.

Submissions (5):

Labcorp Genetics (formerly Invitae), Labcorp
Classification: Benign. Last evaluated: 2026-02-01. Review status: criteria provided, single submitter. Criteria: Invitae Variant Classification Sherloc (09022015). Collection method: clinical testing. Allele origin: germline.

Blueprint Genetics
Classification: Benign. Last evaluated: 2024-11-26. Review status: criteria provided, single submitter. Criteria: ACMG Guidelines, 2015. Collection method: clinical testing. Allele origin: germline.

GeneDx
Classification: Benign. Last evaluated: 2021-01-25. Review status: criteria provided, single submitter. Criteria: GeneDx Variant Classification Process June 2021. Collection method: clinical testing. Allele origin: germline. Affected: yes.
Comment: This variant is associated with the following publications: (PMID: 12858176, 21050867, 20981092, 22306327)

Breakthrough Genomics
Classification: Benign. Review status: criteria provided, single submitter. Criteria: ACMG Guidelines, 2015. Collection method: not provided. Allele origin: germline. Inheritance: Autosomal recessive inheritance. Affected: yes.

OMIM
Classification: Uncertain significance for RECLASSIFIED - VARIANT OF UNKNOWN SIGNIFICANCE. Last evaluated: 2008-10-01. Review status: no assertion criteria provided. Collection method: literature only. Allele origin: germline. Not counted in ClinVar's aggregate classification.

Literature cited by the submitters: PubMed 16091483 (cited by OMIM); PubMed 16817821 (cited by OMIM); PubMed 17062770 (cited by OMIM); PubMed 18628520 (cited by OMIM); PubMed 12858176 (cited by OMIM); PubMed 15827106 (cited by OMIM).

NM_004285.4(H6PD):c.1358G>A (p.Arg453Gln)

Gene: H6PD (hexose-6-phosphate dehydrogenase/glucose 1-dehydrogenase; plus strand). Cytogenetic location: 1p36.22.
Variant type: single nucleotide variant.
Coding change: c.1358G>A on transcript NM_004285.4 (MANE Select); coding-DNA position 1358, G replaced by A.
Protein change: p.Arg453Gln; replaces arginine 453 with glutamine.
Molecular consequence: missense variant.
Genome position (GRCh38, 1-based): chr1:9,263,851, G>A. VCF-style: chr1-9263851-G-A. GRCh37 (hg19) VCF-style: chr1-9323910-G-A.
Other names: H6PD, ARG453GLN (rs6688832); c.1391G>A, p.Arg464Gln (NM_001282587.2); short protein forms R453Q, R464Q.
Identifiers: ClinVar variation 16131 (VCV000016131.14), dbSNP rs6688832, ClinGen allele CA126206.